The following is an entry in ClinVar:

ClinVar aggregate classification (germline): Likely benign. Review status: criteria provided, multiple submitters, no conflicts (2 of 4 stars). 9 submissions from 9 submitters: Likely benign (5). 4 of the submissions do not count toward it. Last evaluated 2026-02-01.

Conditions:
Arrhythmogenic right ventricular dysplasia 13. Also called: ARRHYTHMOGENIC RIGHT VENTRICULAR CARDIOMYOPATHY 13; Arrhythmogenic right ventricular dysplasia, familial, 13. Identifiers: MedGen C3810138, MONDO:0000908, OMIM 615616.

Allele frequency attached by ClinVar (database versions not stated): ESP Exome Variant Server 0.00015; 1000 Genomes Project 30x 0.00016; ExAC 0.00016; gnomAD 0.00017 and 0.00018; 1000 Genomes Project 0.00020; gnomAD exomes 0.00020 and 0.00024; TOPMed 0.00022.
gnomAD v4.1: 373 of 1,613,322 alleles (0.023%); highest among the groups gnomAD compares: Middle Eastern, 0.18%; no homozygotes.

Submissions (9):

Labcorp Genetics (formerly Invitae), Labcorp
Classification: Likely benign for Arrhythmogenic right ventricular dysplasia 13. Last evaluated: 2026-02-01. Review status: criteria provided, single submitter. Criteria: Invitae Variant Classification Sherloc (09022015). Collection method: clinical testing. Allele origin: germline.

CeGaT Center for Human Genetics Tuebingen
Classification: Likely benign. Last evaluated: 2025-02-01. Review status: criteria provided, single submitter. Criteria: CeGaT Center For Human Genetics Tuebingen Variant Classification Criteria Version 2. Collection method: clinical testing. Allele origin: germline. Affected: yes. Observed: 1 variant allele.
Comment: CTNNA3: BP4, BS1

Blueprint Genetics
Classification: Likely benign. Last evaluated: 2024-06-28. Review status: criteria provided, single submitter. Criteria: ACMG Guidelines, 2015. Collection method: clinical testing. Allele origin: germline.

Ambry Genetics
Classification: Likely benign. Last evaluated: 2023-03-07. Review status: criteria provided, single submitter. Criteria: Ambry Variant Classification Scheme 2023. Collection method: clinical testing. Allele origin: germline.

Breakthrough Genomics
Classification: Likely benign. Review status: criteria provided, single submitter. Criteria: ACMG Guidelines, 2015. Collection method: not provided. Allele origin: germline. Inheritance: Autosomal dominant inheritance. Affected: yes.

Clinical Genetics DNA and cytogenetics Diagnostics Lab, Erasmus MC, Erasmus Medical Center
Classification: Likely benign. Review status: no assertion criteria provided. Collection method: clinical testing. Allele origin: germline. Affected: yes. Study: VKGL Data-share Consensus. Not counted in ClinVar's aggregate classification.

Clinical Genetics, Academic Medical Center
Classification: Benign. Review status: no assertion criteria provided. Collection method: clinical testing. Allele origin: germline. Affected: yes. Study: VKGL Data-share Consensus. Not counted in ClinVar's aggregate classification.

Diagnostic Laboratory, Department of Genetics, University Medical Center Groningen
Classification: Likely benign. Review status: no assertion criteria provided. Collection method: clinical testing. Allele origin: germline. Affected: yes. Study: VKGL Data-share Consensus. Not counted in ClinVar's aggregate classification.

Joint Genome Diagnostic Labs from Nijmegen and Maastricht, Radboudumc and MUMC+
Classification: Likely benign. Review status: no assertion criteria provided. Collection method: clinical testing. Allele origin: germline. Affected: yes. Study: VKGL Data-share Consensus. Not counted in ClinVar's aggregate classification.

NM_013266.4(CTNNA3):c.18A>T (p.Pro6=)

Gene: CTNNA3 (catenin alpha 3; minus strand). Cytogenetic location: 10q21.3.
Variant type: single nucleotide variant.
Coding change: c.18A>T on transcript NM_013266.4 (MANE Select); coding-DNA position 18, A replaced by T.
Protein change: p.Pro6=; no amino-acid change (proline 6 retained).
Molecular consequence: synonymous variant.
Genome position (GRCh38, 1-based): chr10:67,647,496, T>A on the plus strand (A>T on the coding strand, the complement: CTNNA3 is on the minus strand). VCF-style: chr10-67647496-T-A. GRCh37 (hg19) VCF-style: chr10-69407254-T-A.
Other names: c.18A>T (NM_013266.2); c.18A>T, p.Pro6= (NM_001127384.3); c.54A>T, p.Pro18= (NM_001291133.2).
Identifiers: ClinVar variation 695556 (VCV000695556.29), dbSNP rs138580439, ClinGen allele CA5520728.